The following is an entry in ClinVar:

NM_001291303.3(FAT4):c.2361A>C (p.Gln787His)

Gene: FAT4 (FAT atypical cadherin 4; plus strand). Cytogenetic location: 4q28.1.
Variant type: single nucleotide variant.
Coding change: c.2361A>C on transcript NM_001291303.3 (MANE Select); coding-DNA position 2361, A replaced by C.
Protein change: p.Gln787His; replaces glutamine 787 with histidine.
Molecular consequence: missense variant.
Genome position (GRCh38, 1-based): chr4:125,318,772, A>C. VCF-style: chr4-125318772-A-C. GRCh37 (hg19) VCF-style: chr4-126239927-A-C.
Other names: c.2361A>C, p.Gln787His (NM_001291285.3, NM_024582.6); short protein forms Q787H.
Identifiers: ClinVar variation 1488573 (VCV001488573.3), dbSNP rs2125941586, ClinGen allele CA358120154.

ClinVar aggregate classification (germline): Uncertain significance (1 of 4 stars; one submission).

Submission:

Labcorp Genetics (formerly Invitae), Labcorp
Classification: Uncertain significance. Last evaluated: 2022-06-03. Review status: criteria provided, single submitter. Criteria: Invitae Variant Classification Sherloc (09022015). Collection method: clinical testing. Allele origin: germline.
Comment: This sequence change replaces glutamine, which is neutral and polar, with histidine, which is basic and polar, at codon 787 of the FAT4 protein (p.Gln787His). This variant is not present in population databases (gnomAD no frequency). This variant has not been reported in the literature in individuals affected with FAT4-related conditions. ClinVar contains an entry for this variant (Variation ID: 1488573). Advanced modeling of protein sequence and biophysical properties (such as structural, functional, and spatial information, amino acid conservation, physicochemical variation, residue mobility, and thermodynamic stability) performed at Invitae indicates that this missense variant is not expected to disrupt FAT4 protein function. In summary, the available evidence is currently insufficient to determine the role of this variant in disease. Therefore, it has been classified as a Variant of Uncertain Significance.